The following is an entry in ClinVar:

NM_001352514.2(HLCS):c.1351C>T (p.Gln451Ter)

Gene: HLCS (holocarboxylase synthetase; minus strand). Cytogenetic location: 21q22.13.
Variant type: single nucleotide variant.
Coding change: c.1351C>T on transcript NM_001352514.2 (MANE Select); coding-DNA position 1351, C replaced by T.
Protein change: p.Gln451Ter; replaces glutamine 451 with a stop codon.
Molecular consequence: nonsense. On other transcripts: non-coding transcript variant (2).
Genome position (GRCh38, 1-based): chr21:36,936,535, G>A on the plus strand (C>T on the coding strand, the complement: HLCS is on the minus strand). VCF-style: chr21-36936535-G-A. GRCh37 (hg19) VCF-style: chr21-38308835-G-A.
Other names: c.910C>T, p.Gln304Ter (NM_000411.8, NM_001242784.3, NM_001242785.2 and 4 more transcripts); short protein forms Q304*, Q451*.
Identifiers: ClinVar variation 1726302 (VCV001726302.2), dbSNP rs1467195179, ClinGen allele CA409912042.

ClinVar aggregate classification (germline): Likely pathogenic (1 of 4 stars; one submission).

Conditions:
Holocarboxylase synthetase deficiency. Also called: MULTIPLE CARBOXYLASE DEFICIENCY, EARLY ONSET. Identifiers: Orphanet 79242, MedGen C0268581, MONDO:0009666, OMIM 253270.

Submission:

Myriad Genetics, Inc.
Classification: Likely pathogenic for Holocarboxylase synthetase deficiency. Last evaluated: 2021-12-14. Review status: criteria provided, single submitter. Criteria: Myriad Women's Health Autosomal Recessive and X-Linked Classification Criteria (2021). Collection method: clinical testing. Allele origin: unknown.
Comment: NM_000411.6(HLCS):c.910C>T(Q304*) is expected to be pathogenic in the context of holocarboxylase synthetase deficiency. This variant is predicted to lead to an abnormal or absent protein product due to the creation of a premature termination codon in HLCS, a gene where loss-of-function variants are known to be pathogenic. Please note: this variant was assessed in the context of healthy population screening.